The following is an entry in ClinVar:

NM_004333.6(BRAF):c.653C>G (p.Thr218Ser)

Gene: BRAF (B-Raf proto-oncogene, serine/threonine kinase; minus strand). Cytogenetic location: 7q34.
Variant type: single nucleotide variant.
Coding change: c.653C>G on transcript NM_004333.6 (MANE Select); coding-DNA position 653, C replaced by G.
Protein change: p.Thr218Ser; replaces threonine 218 with serine.
Molecular consequence: missense variant.
Genome position (GRCh38, 1-based): chr7:140,808,018, G>C on the plus strand (C>G on the coding strand, the complement: BRAF is on the minus strand). VCF-style: chr7-140808018-G-C. GRCh37 (hg19) VCF-style: chr7-140507818-G-C.
Other names: c.653C>G, p.Thr218Ser (NM_001354609.2, NM_001374244.1, NM_001374258.1 and 4 more transcripts); c.662C>G, p.Thr221Ser (NM_001378467.1); c.551C>G, p.Thr184Ser (NM_001378470.1); c.497C>G, p.Thr166Ser (NM_001378472.1, NM_001378473.1); c.389C>G, p.Thr130Ser (NM_001378475.1); short protein forms T218S, T184S, T221S, T130S, T166S.
Identifiers: ClinVar variation 505530 (VCV000505530.4), dbSNP rs1554404461, ClinGen allele CA369591137.
Genomic context (GRCh38, chr7:140,808,018, plus strand): 5'-ACAAAGTTGTGTGTTGTAAGTGGAACATTCTCCAACACTTCCACATGCAATTCTTCTCCA[G>C]TAAGCCAGGAAATATCAGTGTCCCAACCAATTGGTTTCTTCTCTCTGAAAAATGTAGACA-3'
Protein context (NP_004324.2, residues 208-228): IGWDTDISWL[Thr218Ser]GEELHVEVLE

ClinVar aggregate classification (germline): Uncertain significance (1 of 4 stars; one submission).

Submission:

Laboratory for Molecular Medicine, Mass General Brigham Personalized Medicine
Classification: Uncertain significance. Last evaluated: 2016-12-23. Review status: criteria provided, single submitter. Criteria: LMM Criteria. Collection method: clinical testing. Allele origin: germline. Observed: 1 variant allele.
Comment: The p.Thr218Ser variant in BRAF has not been previously reported in individuals with clinical features of a RASopathy and was absent from large population studi es. Computational prediction tools and conservation analysis do not provide stro ng support for or against an impact to the protein. In summary, the clinical sig nificance of the p.Thr218Ser variant is uncertain.